The following is an entry in ClinVar:

NM_005475.3(SH2B3):c.1106T>C (p.Ile369Thr)

Gene: SH2B3 (SH2B adaptor protein 3; plus strand). Cytogenetic location: 12q24.12.
Variant type: single nucleotide variant.
Coding change: c.1106T>C on transcript NM_005475.3 (MANE Select); coding-DNA position 1106, T replaced by C.
Protein change: p.Ile369Thr; replaces isoleucine 369 with threonine.
Molecular consequence: missense variant.
Genome position (GRCh38, 1-based): chr12:111,447,414, T>C. VCF-style: chr12-111447414-T-C. GRCh37 (hg19) VCF-style: chr12-111885218-T-C.
Other names: c.500T>C, p.Ile167Thr (NM_001291424.1); short protein forms I167T, I369T.
Identifiers: ClinVar variation 4826772 (VCV004826772.1).

ClinVar aggregate classification (germline): Uncertain significance (1 of 4 stars; one submission).

Conditions:
Inborn genetic diseases. Identifiers: MedGen C0950123, MeSH D030342.

Submission:

Ambry Genetics
Classification: Uncertain significance for Inborn genetic diseases. Last evaluated: 2026-03-01. Review status: criteria provided, single submitter. Criteria: Ambry Variant Classification Scheme 2023. Collection method: clinical testing. Allele origin: germline.
Comment: The p.I369T variant (also known as c.1106T>C), located in coding exon 5 of the SH2B3 gene, results from a T to C substitution at nucleotide position 1106. The isoleucine at codon 369 is replaced by threonine, an amino acid with similar properties. This amino acid position is conserved. In addition, this alteration is predicted to be deleterious by in silico analysis. Based on the available evidence, the clinical significance of this variant remains unclear.